The following is an entry in ClinVar:

NM_001378030.1(CCDC78):c.862C>A (p.Arg288Ser)

Gene: CCDC78 (coiled-coil domain containing 78; minus strand). Cytogenetic location: 16p13.3.
Variant type: single nucleotide variant.
Coding change: c.862C>A on transcript NM_001378030.1 (MANE Select); coding-DNA position 862, C replaced by A.
Protein change: p.Arg288Ser; replaces arginine 288 with serine.
Molecular consequence: missense variant. On other transcripts: non-coding transcript variant (5).
Genome position (GRCh38, 1-based): chr16:724,413, G>T on the plus strand (C>A on the coding strand, the complement: CCDC78 is on the minus strand). VCF-style: chr16-724413-G-T. GRCh37 (hg19) VCF-style: chr16-774413-G-T.
Other names: c.862C>A, p.Arg288Ser (NM_001031737.3, NM_001378031.1); c.295C>A, p.Arg99Ser (NM_001378033.1); c.862C>A (NM_001031737.2); short protein forms R288S, R99S.
Identifiers: ClinVar variation 2720308 (VCV002720308.4), dbSNP rs764179609, ClinGen allele CA394100394.
Genomic context (GRCh38, chr16:724,413, plus strand): 5'-GGCTCAGATCCACCAGCCTCTTGTGGTAGCTGCGGGCAGCCCGGGCCAGCTGCTGCTCAC[G>T]GCTGCGGTGCGCTGCCCGGATGTCCTCCAGAGTCGCCTCCAGGAATGTCCGGAGGGCCGT-3'
Protein context (NP_001364959.1, residues 278-298): LEDIRAAHRS[Arg288Ser]EQQLARAARS

ClinVar aggregate classification (germline): Uncertain significance. Review status: criteria provided, multiple submitters, no conflicts (2 of 4 stars). 2 submissions from 2 submitters: Uncertain significance (2). Last evaluated 2025-05-16.

Conditions:
Inborn genetic diseases. Identifiers: MedGen C0950123, MeSH D030342.
Congenital myopathy with internal nuclei and atypical cores. Also called: Myopathy, centronuclear, 4. Identifiers: Orphanet 319160, MedGen C4707232, MONDO:0013890, OMIM 614807.

gnomAD v4.1: 1 of 1,610,030 alleles (0.000062%); highest among the groups gnomAD compares: Non-Finnish European, 0.000085%; no homozygotes.

Submissions (2):

Ambry Genetics
Classification: Uncertain significance for Inborn genetic diseases. Last evaluated: 2025-05-16. Review status: criteria provided, single submitter. Criteria: Ambry Variant Classification Scheme 2023. Collection method: clinical testing. Allele origin: germline.

Labcorp Genetics (formerly Invitae), Labcorp
Classification: Uncertain significance for Congenital myopathy with internal nuclei and atypical cores. Last evaluated: 2024-06-26. Review status: criteria provided, single submitter. Criteria: Invitae Variant Classification Sherloc (09022015). Collection method: clinical testing. Allele origin: germline.
Comment: This sequence change replaces arginine, which is basic and polar, with serine, which is neutral and polar, at codon 288 of the CCDC78 protein (p.Arg288Ser). This variant is not present in population databases (gnomAD no frequency). This variant has not been reported in the literature in individuals affected with CCDC78-related conditions. Advanced modeling of protein sequence and biophysical properties (such as structural, functional, and spatial information, amino acid conservation, physicochemical variation, residue mobility, and thermodynamic stability) performed at Invitae indicates that this missense variant is expected to disrupt CCDC78 protein function with a positive predictive value of 80%. In summary, the available evidence is currently insufficient to determine the role of this variant in disease. Therefore, it has been classified as a Variant of Uncertain Significance.